The following is an entry in ClinVar:

ClinVar aggregate classification (germline): Uncertain significance (1 of 4 stars; one submission).

Submission:

GeneDx
Classification: Uncertain significance. Last evaluated: 2023-12-21. Review status: criteria provided, single submitter. Criteria: GeneDx Variant Classification Process June 2021. Collection method: clinical testing. Allele origin: germline. Affected: yes.
Comment: Not observed at significant frequency in large population cohorts (gnomAD); In silico analysis supports that this missense variant does not alter protein structure/function; Has not been previously published as pathogenic or benign to our knowledge

NM_018896.5(CACNA1G):c.6080A>C (p.Glu2027Ala)

Gene: CACNA1G (calcium voltage-gated channel subunit alpha1 G; plus strand). Cytogenetic location: 17q21.33.
Variant type: single nucleotide variant.
Coding change: c.6080A>C on transcript NM_018896.5 (MANE Select); coding-DNA position 6080, A replaced by C.
Protein change: p.Glu2027Ala; replaces glutamic acid 2027 with alanine.
Molecular consequence: missense variant. On other transcripts: non-coding transcript variant (5).
Genome position (GRCh38, 1-based): chr17:50,623,926, A>C. VCF-style: chr17-50623926-A-C. GRCh37 (hg19) VCF-style: chr17-48701287-A-C.
Other names: c.5891A>C, p.Glu1964Ala (NM_001256324.2); c.5822A>C, p.Glu1941Ala (NM_001256325.2); c.5810A>C, p.Glu1937Ala (NM_001256326.2); c.5780A>C, p.Glu1927Ala (NM_001256327.2); c.5726A>C, p.Glu1909Ala (NM_001256328.2); c.5699A>C, p.Glu1900Ala (NM_001256329.2, NM_198376.3, NM_198387.3); c.5666A>C, p.Glu1889Ala (NM_001256330.2); c.5645A>C, p.Glu1882Ala (NM_001256331.2); and 15 more; short protein forms E1877A, E1882A, E1889A, E1893A, E1896A, E1898A, E1900A, E1907A.
Identifiers: ClinVar variation 3370190 (VCV003370190.1).